The following is an entry in ClinVar:

NM_033004.4(NLRP1):c.3427C>T (p.His1143Tyr)

Gene: NLRP1 (NLR family pyrin domain containing 1; minus strand). Cytogenetic location: 17p13.2.
Variant type: single nucleotide variant.
Coding change: c.3427C>T on transcript NM_033004.4 (MANE Select); coding-DNA position 3427, C replaced by T.
Protein change: p.His1143Tyr; replaces histidine 1143 with tyrosine.
Molecular consequence: missense variant.
Genome position (GRCh38, 1-based): chr17:5,530,574, G>A on the plus strand (C>T on the coding strand, the complement: NLRP1 is on the minus strand). VCF-style: chr17-5530574-G-A. GRCh37 (hg19) VCF-style: chr17-5433894-G-A.
Other names: c.3439C>T, p.His1147Tyr (NM_001033053.3); c.3427C>T, p.His1143Tyr (NM_014922.5); c.3337C>T, p.His1113Tyr (NM_033006.4, NM_033007.4); short protein forms H1113Y, H1147Y, H1143Y.
Identifiers: ClinVar variation 3643292 (VCV003643292.2).
Genomic context (GRCh38, chr17:5,530,574, plus strand): 5'-CTTCCACAGCTCCAGGCTCAGCCTTGATGTCCAGCAGAGGCCCTGCCACCATCCAGCTGT[G>A]CTGTGGGTTGATCTCACCCAGGAACTGGTCCCACACACAGAATTCAATCTCAACGGTCAC-3'
Protein context (NP_127497.1, residues 1133-1153): DQFLGEINPQ[His1143Tyr]SWMVAGPLLD

ClinVar aggregate classification (germline): Uncertain significance (1 of 4 stars; one submission).

Submission:

Labcorp Genetics (formerly Invitae), Labcorp
Classification: Uncertain significance. Last evaluated: 2024-03-15. Review status: criteria provided, single submitter. Criteria: Invitae Variant Classification Sherloc (09022015). Collection method: clinical testing. Allele origin: germline.
Comment: This sequence change replaces histidine, which is basic and polar, with tyrosine, which is neutral and polar, at codon 1143 of the NLRP1 protein (p.His1143Tyr). This variant is not present in population databases (gnomAD no frequency). This variant has not been reported in the literature in individuals affected with NLRP1-related conditions. An algorithm developed to predict the effect of missense changes on protein structure and function (PolyPhen-2) suggests that this variant is likely to be tolerated. In summary, the available evidence is currently insufficient to determine the role of this variant in disease. Therefore, it has been classified as a Variant of Uncertain Significance.